The following is an entry in ClinVar:

NM_001385125.1(OPN1SW):c.508A>G (p.Ser170Gly)

Gene: OPN1SW (opsin 1, short wave sensitive; minus strand). Cytogenetic location: 7q32.1.
Variant type: single nucleotide variant.
Coding change: c.508A>G on transcript NM_001385125.1 (MANE Select); coding-DNA position 508, A replaced by G.
Protein change: p.Ser170Gly; replaces serine 170 with glycine.
Molecular consequence: missense variant.
Genome position (GRCh38, 1-based): chr7:128,774,990, T>C on the plus strand (A>G on the coding strand, the complement: OPN1SW is on the minus strand). VCF-style: chr7-128774990-T-C. GRCh37 (hg19) VCF-style: chr7-128415044-T-C.
Other names: short protein forms S170G.
Identifiers: ClinVar variation 4723726 (VCV004723726.1).

ClinVar aggregate classification (germline): Uncertain significance (1 of 4 stars; one submission).

Submission:

Labcorp Genetics (formerly Invitae), Labcorp
Classification: Uncertain significance. Last evaluated: 2025-12-19. Review status: criteria provided, single submitter. Criteria: Invitae Variant Classification Sherloc (09022015). Collection method: clinical testing. Allele origin: germline.
Comment: This sequence change replaces serine, which is neutral and polar, with glycine, which is neutral and non-polar, at codon 173 of the OPN1SW protein (p.Ser173Gly). This variant is not present in population databases (gnomAD no frequency). This variant has not been reported in the literature in individuals affected with OPN1SW-related conditions. An algorithm developed to predict the effect of missense changes on protein structure and function (PolyPhen-2) suggests that this variant is likely to be disruptive. Algorithms developed to predict the effect of sequence changes on RNA splicing suggest that this variant may disrupt the consensus splice site. In summary, the available evidence is currently insufficient to determine the role of this variant in disease. Therefore, it has been classified as a Variant of Uncertain Significance.